The following is an entry in ClinVar:

NM_032444.4(SLX4):c.4845G>C (p.Gln1615His)

Gene: SLX4 (SLX4 structure-specific endonuclease subunit; minus strand). Cytogenetic location: 16p13.3.
Variant type: single nucleotide variant.
Coding change: c.4845G>C on transcript NM_032444.4 (MANE Select); coding-DNA position 4845, G replaced by C.
Protein change: p.Gln1615His; replaces glutamine 1615 with histidine.
Molecular consequence: missense variant.
Genome position (GRCh38, 1-based): chr16:3,583,405, C>G on the plus strand (G>C on the coding strand, the complement: SLX4 is on the minus strand). VCF-style: chr16-3583405-C-G. GRCh37 (hg19) VCF-style: chr16-3633406-C-G.
Other names: short protein forms Q1615H.
Identifiers: ClinVar variation 1045048 (VCV001045048.6), dbSNP rs988625732, ClinGen allele CA394515253.
Genomic context (GRCh38, chr16:3,583,405, plus strand): 5'-CTTGTAGGTCTGGGAGGCGAGGGTCTGGCAGTGAGGCGCCTGCAACAGCGGCTGTGAGGA[C>G]TGGCTCTCGTCCTCGGAGTCTGAGTCCAGGGTCTGGTGAGTGTACTGGAATATCTCCTTC-3'
Protein context (NP_115820.2, residues 1605-1625): TLDSDSEDES[Gln1615His]SSQPLLQAPH

ClinVar aggregate classification (germline): Uncertain significance (1 of 4 stars; one submission).

Conditions:
Fanconi anemia (FA). Also called: Fanconi's anemia. Identifiers: Orphanet 84, MedGen C0015625, MeSH D005199, MONDO:0019391.

Allele frequency attached by ClinVar (database versions not stated): gnomAD 0.00001; TOPMed 0.00001.

Submission:

Labcorp Genetics (formerly Invitae), Labcorp
Classification: Uncertain significance for Fanconi anemia. Last evaluated: 2022-06-13. Review status: criteria provided, single submitter. Criteria: Invitae Variant Classification Sherloc (09022015). Collection method: clinical testing. Allele origin: germline.
Comment: This sequence change replaces glutamine, which is neutral and polar, with histidine, which is basic and polar, at codon 1615 of the SLX4 protein (p.Gln1615His). This variant is not present in population databases (gnomAD no frequency). This variant has not been reported in the literature in individuals affected with SLX4-related conditions. ClinVar contains an entry for this variant (Variation ID: 1045048). Algorithms developed to predict the effect of missense changes on protein structure and function are either unavailable or do not agree on the potential impact of this missense change (SIFT: "Tolerated"; PolyPhen-2: "Probably Damaging"; Align-GVGD: "Class C0"). In summary, the available evidence is currently insufficient to determine the role of this variant in disease. Therefore, it has been classified as a Variant of Uncertain Significance.